The following is an entry in ClinVar:

NM_005332.2(HBZ):c.330_*22601del

Genes: HBA1 (hemoglobin subunit alpha 1; plus strand), HBA2 (hemoglobin subunit alpha 2; plus strand), HBM (hemoglobin subunit mu; plus strand), HBZ (hemoglobin subunit zeta; plus strand), LOC106804612 (hemoglobin subunit alpha 2 recombination region; plus strand) and 1 more. Cytogenetic location: 16p13.3.
Variant type: Deletion.
Coding change: c.330_*22601del on transcript NM_005332.2; coding-DNA position 330 through 22601 bases downstream of the stop codon, this stretch deleted.
Other names: -(alpha)20.5; -(a)20.5.
Identifiers: ClinVar variation 38635 (VCV000038635.2).

ClinVar aggregate classification (germline): Pathogenic. Review status: no assertion criteria provided (0 of 4 stars). 2 submissions from 2 submitters: Pathogenic (2). Last evaluated 2019-11-25.

Conditions:
alpha Thalassemia. Also called: Alpha thalassemia spectrum. Identifiers: Orphanet 846, MedGen C0002312, MONDO:0011399, OMIM 604131.

Submissions (2):

The ITHANET community portal, The Cyprus Institute of Neurology and Genetics
Classification: Pathogenic for alpha Thalassemia. Last evaluated: 2019-11-25. Review status: no assertion criteria provided. Collection method: curation. Allele origin: germline.

GeneReviews
Classification: Pathogenic for alpha Thalassemia. Last evaluated: 2016-12-29. Review status: no assertion criteria provided. Collection method: literature only. Allele origin: germline.
Comment: alpha-thalassemia variant with deletion of HBA2 and 5' end of HBA1.

Literature cited by the submitters: PubMed 2986746 (cited by The ITHANET community portal, The Cyprus Institute of Neurology and Genetics).